The following is an entry in ClinVar:

NM_001918.5(DBT):c.1283C>T (p.Ala428Val)

Gene: DBT (dihydrolipoamide branched chain transacylase E2; minus strand). Cytogenetic location: 1p21.2.
Variant type: single nucleotide variant.
Coding change: c.1283C>T on transcript NM_001918.5 (MANE Select); coding-DNA position 1283, C replaced by T.
Protein change: p.Ala428Val; replaces alanine 428 with valine.
Molecular consequence: missense variant.
Genome position (GRCh38, 1-based): chr1:100,196,421, G>A on the plus strand (C>T on the coding strand, the complement: DBT is on the minus strand). VCF-style: chr1-100196421-G-A. GRCh37 (hg19) VCF-style: chr1-100661977-G-A.
Other names: short protein forms A428V.
Identifiers: ClinVar variation 1368602 (VCV001368602.8), dbSNP rs2100761237, ClinGen allele CA341351710.

ClinVar aggregate classification (germline): Uncertain significance (1 of 4 stars; one submission).

Conditions:
Maple syrup urine disease (MSUD). Identifiers: Orphanet 511, MedGen C0024776, MeSH D008375, MONDO:0009563. Disease mechanism: loss of function.

Submission:

Labcorp Genetics (formerly Invitae), Labcorp
Classification: Uncertain significance for Maple syrup urine disease. Last evaluated: 2021-07-20. Review status: criteria provided, single submitter. Criteria: Invitae Variant Classification Sherloc (09022015). Collection method: clinical testing. Allele origin: germline.
Comment: This sequence change replaces alanine with valine at codon 428 of the DBT protein (p.Ala428Val). The alanine residue is weakly conserved and there is a small physicochemical difference between alanine and valine. In summary, the available evidence is currently insufficient to determine the role of this variant in disease. Therefore, it has been classified as a Variant of Uncertain Significance. Algorithms developed to predict the effect of sequence changes on RNA splicing suggest that this variant may create or strengthen a splice site. Algorithms developed to predict the effect of missense changes on protein structure and function output the following: SIFT: "Tolerated"; PolyPhen-2: "Benign"; Align-GVGD: "Class C0". The valine amino acid residue is found in multiple mammalian species, which suggests that this missense change does not adversely affect protein function. This variant has not been reported in the literature in individuals affected with DBT-related conditions. This variant is not present in population databases (ExAC no frequency).